The following is an entry in ClinVar:

ClinVar aggregate classification (germline): Conflicting classifications of pathogenicity. Review status: criteria provided, conflicting classifications (1 of 4 stars). 4 submissions from 4 submitters: Uncertain significance (1); Likely benign (2). 1 of the submissions does not count toward it. Last evaluated 2025-10-02.

Conditions:
PLEC-related disorder. Also called: PLEC-related condition; PLEC-related disorders.
Epidermolysis bullosa simplex, Ogna type (EBS5A). Also called: Pidermolysis bullosa simplex 5A, Ogna type; EPIDERMOLYSIS BULLOSA SIMPLEX 5A, OGNA TYPE. Identifiers: Orphanet 79401, MedGen C0432317, MONDO:0007555, OMIM 131950.
Autosomal recessive limb-girdle muscular dystrophy type 2Q (LGMDR17). Also called: MUSCULAR DYSTROPHY, LIMB-GIRDLE, AUTOSOMAL RECESSIVE 17. Identifiers: Orphanet 254361, MedGen C3150989, MONDO:0013390, OMIM 613723.
Epidermolysis bullosa simplex with nail dystrophy (EBS5D). Identifiers: MedGen C4225309, MONDO:0014661, OMIM 616487.
Epidermolysis bullosa simplex 5B, with muscular dystrophy (EBS5B). Also called: EPIDERMOLYSIS BULLOSA SIMPLEX AND LIMB-GIRDLE MUSCULAR DYSTROPHY; Epidermolysis bullosa simplex with muscular dystrophy. Identifiers: Orphanet 257, MedGen C2931072, MONDO:0009181, OMIM 226670.
Epidermolysis bullosa simplex 5C, with pyloric atresia (EBS5C). Also called: PLEC1-Related Epidermolysis Bullosa with Pyloric Atresia; PLEC-Related Epidermolysis Bullosa with Pyloric Atresia; Epidermolysis bullosa simplex with pyloric atresia. Identifiers: Orphanet 158684, MedGen C2677349, MONDO:0012807, OMIM 612138.

Allele frequency attached by ClinVar (database versions not stated): gnomAD exomes 0.00001; TOPMed 0.00002; gnomAD 0.00004.
gnomAD v4.1: 73 of 1,544,556 alleles (0.0047%); highest among the groups gnomAD compares: Non-Finnish European, 0.0056%; no homozygotes.

Submissions (4):

Labcorp Genetics (formerly Invitae), Labcorp
Classification: Likely benign for Autosomal recessive limb-girdle muscular dystrophy type 2Q; Epidermolysis bullosa simplex, Ogna type; Epidermolysis bullosa simplex with nail dystrophy; Epidermolysis bullosa simplex 5C, with pyloric atresia; Epidermolysis bullosa simplex 5B, with muscular dystrophy. Last evaluated: 2025-10-02. Review status: criteria provided, single submitter. Criteria: Invitae Variant Classification Sherloc (09022015). Collection method: clinical testing. Allele origin: germline.

Blueprint Genetics
Classification: Likely benign. Last evaluated: 2024-09-19. Review status: criteria provided, single submitter. Criteria: ACMG Guidelines, 2015. Collection method: clinical testing. Allele origin: germline.

CeGaT Center for Human Genetics Tuebingen
Classification: Uncertain significance. Last evaluated: 2017-09-01. Review status: criteria provided, single submitter. Criteria: CeGaT Center For Human Genetics Tuebingen Variant Classification Criteria Version 2. Collection method: clinical testing. Allele origin: germline. Affected: yes. Observed: 1 variant allele.

PreventionGenetics, part of Exact Sciences
Classification: Likely benign for PLEC-related condition. Last evaluated: 2021-11-29. Review status: no assertion criteria provided. Collection method: clinical testing. Allele origin: germline. Not counted in ClinVar's aggregate classification.
Comment: This variant is classified as likely benign based on ACMG/AMP sequence variant interpretation guidelines (Richards et al. 2015 PMID: 25741868, with internal and published modifications).

NM_201384.3(PLEC):c.6204G>A (p.Thr2068=)

Gene: PLEC (plectin; minus strand). Cytogenetic location: 8q24.3.
Variant type: single nucleotide variant.
Coding change: c.6204G>A on transcript NM_201384.3 (MANE Select); coding-DNA position 6204, G replaced by A.
Protein change: p.Thr2068=; no amino-acid change (threonine 2068 retained).
Molecular consequence: synonymous variant.
Genome position (GRCh38, 1-based): chr8:143,923,725, C>T on the plus strand (G>A on the coding strand, the complement: PLEC is on the minus strand). VCF-style: chr8-143923725-C-T. GRCh37 (hg19) VCF-style: chr8-144997893-C-T.
Other names: c.6285G>A, p.Thr2095= (NM_000445.5); c.6162G>A, p.Thr2054= (NM_201378.4); c.6138G>A, p.Thr2046= (NM_201379.3); c.6615G>A, p.Thr2205= (NM_201380.4); c.6108G>A, p.Thr2036= (NM_201381.3); c.6204G>A, p.Thr2068= (NM_201382.4); c.6216G>A, p.Thr2072= (NM_201383.3).
Identifiers: ClinVar variation 758641 (VCV000758641.51), dbSNP rs979599396, ClinGen allele CA187614949.